The following is an entry in ClinVar:

NM_000051.4(ATM):c.8154C>G (p.Gly2718=)

Genes: ATM (ATM serine/threonine kinase; plus strand), C11orf65 (chromosome 11 open reading frame 65; minus strand). Cytogenetic location: 11q22.3.
Variant type: single nucleotide variant.
Coding change: c.8154C>G on transcript NM_000051.4 (MANE Select); coding-DNA position 8154, C replaced by G.
Protein change: p.Gly2718=; no amino-acid change (glycine 2718 retained).
Molecular consequence: synonymous variant. On other transcripts: intron variant (2).
Genome position (GRCh38, 1-based): chr11:108,335,847, C>G. VCF-style: chr11-108335847-C-G. GRCh37 (hg19) VCF-style: chr11-108206574-C-G.
Other names: c.8154C>G, p.Gly2718= (NM_001351834.2); c.641-26776G>C (NM_001330368.2); c.695-555G>C (NM_001351110.2).
Identifiers: ClinVar variation 1546165 (VCV001546165.10), dbSNP rs371021126, ClinGen allele CA476678029.

ClinVar aggregate classification (germline): Benign/Likely benign. Review status: criteria provided, multiple submitters, no conflicts (2 of 4 stars). 3 submissions from 3 submitters: Benign (1); Likely benign (2). Last evaluated 2024-11-22.

Conditions:
Familial cancer of breast. Also called: BREAST CANCER, FAMILIAL; Hereditary breast cancer; hereditary breast carcinoma. Identifiers: Orphanet 227535, MedGen C0346153, MONDO:0016419, OMIM 114480. Disease mechanism: loss of function.
Ataxia-telangiectasia syndrome (AT). Also called: LOUIS-BAR SYNDROME; Cerebello-oculocutaneous telangiectasia; Immunodeficiency with ataxia telangiectasia; Ataxia telangiectasia (A-T); Ataxia-telangiectasia, complementation group D; AT, COMPLEMENTATION GROUP C. Identifiers: Orphanet 100, MedGen C0004135, MONDO:0008840, OMIM 208900.
Hereditary cancer-predisposing syndrome. Also called: Neoplastic Syndromes, Hereditary; Tumor predisposition; Hereditary Cancer Syndrome; Hereditary neoplastic syndrome. Identifiers: Orphanet 140162, MedGen C0027672, MeSH D009386, MONDO:0015356.

Submissions (3):

Ambry Genetics
Classification: Likely benign for Hereditary cancer-predisposing syndrome. Last evaluated: 2024-11-22. Review status: criteria provided, single submitter. Criteria: Ambry Variant Classification Scheme 2023. Collection method: clinical testing. Allele origin: germline.

Myriad Genetics, Inc.
Classification: Benign for Familial cancer of breast. Last evaluated: 2024-06-18. Review status: criteria provided, single submitter. Criteria: Myriad Autosomal Dominant, Autosomal Recessive and X-Linked Classification Criteria (2023). Collection method: clinical testing. Allele origin: unknown.
Comment: This variant is considered benign. This variant is a silent/synonymous amino acid change and it is not expected to impact splicing.

Labcorp Genetics (formerly Invitae), Labcorp
Classification: Likely benign for Ataxia-telangiectasia syndrome. Last evaluated: 2024-04-14. Review status: criteria provided, single submitter. Criteria: Invitae Variant Classification Sherloc (09022015). Collection method: clinical testing. Allele origin: germline.